The following is an entry in ClinVar:

NM_001242896.3(DEPDC5):c.3250dup (p.Asp1084fs)

Gene: DEPDC5 (DEP domain containing 5, GATOR1 subcomplex subunit; plus strand). Cytogenetic location: 22q12.3.
Variant type: Duplication.
Coding change: c.3250dup on transcript NM_001242896.3 (MANE Select); coding-DNA position 3250, one base duplicated (G; older notation c.3250dupG).
Protein change: p.Asp1084fs; shifts the reading frame from aspartic acid 1084.
Molecular consequence: frameshift variant. On other transcripts: non-coding transcript variant (5).
Genome position (GRCh38, 1-based): chr22:31,857,539, G duplicated; the last of 2 consecutive G bases (chr22:31,857,538-31,857,539); duplicating either gives the same sequence. VCF-style (leftmost placement, unchanged base first): chr22-31857537-T-TG. GRCh37 (hg19) VCF-style: chr22-32253523-T-TG.
Other names: c.3223dup, p.Asp1075fs (NM_001136029.4, NM_001369903.1, NM_014662.6); c.3016dup, p.Asp1006fs (NM_001242897.2, NM_001363854.2, NM_001364319.2); c.3250dup, p.Asp1084fs (NM_001363852.2, NM_001364318.2, NM_001364320.2); c.3166dup, p.Asp1056fs (NM_001369901.1, NM_001369902.1); short protein forms D1006fs, D1056fs, D1075fs, D1084fs.
Identifiers: ClinVar variation 4735093 (VCV004735093.1).

ClinVar aggregate classification (germline): Pathogenic (1 of 4 stars; one submission).

Conditions:
Familial focal epilepsy with variable foci (FPEVF). Identifiers: Orphanet 98820, MedGen C1858477, MONDO:0020310.

Submission:

Labcorp Genetics (formerly Invitae), Labcorp
Classification: Pathogenic for Familial focal epilepsy with variable foci. Last evaluated: 2026-01-26. Review status: criteria provided, single submitter. Criteria: Invitae Variant Classification Sherloc (09022015). Collection method: clinical testing. Allele origin: germline.
Comment: This sequence change creates a premature translational stop signal (p.Asp1084Glyfs*77) in the DEPDC5 gene. It is expected to result in an absent or disrupted protein product. Loss-of-function variants in DEPDC5 are known to be pathogenic (PMID: 23542697, 23542701). This variant is not present in population databases (gnomAD no frequency). This variant has not been reported in the literature in individuals affected with DEPDC5-related conditions. For these reasons, this variant has been classified as Pathogenic.

Literature cited by the submitters: PubMed 23542697; PubMed 23542701.